The following is an entry in ClinVar:

NM_000077.5(CDKN2A):c.299_303dup (p.Ala102fs)

Gene: CDKN2A (cyclin dependent kinase inhibitor 2A; minus strand). Cytogenetic location: 9p21.3.
Variant type: Microsatellite.
Coding change: c.299_303dup on transcript NM_000077.5; coding-DNA positions 299 to 303, 5 bases duplicated (CCGGG; older notation c.299_303dupCCGGG).
Protein change: p.Ala102fs; shifts the reading frame from alanine 102.
Molecular consequence: frameshift variant (on NM_000077.6). On other transcripts: 3 prime UTR variant (1).
Genome position (GRCh38, 1-based): chr9:21,971,056-21,971,060, CCCGG duplicated on the plus strand (CCGGG on the coding strand, the reverse complement: CDKN2A is on the minus strand); duplicating any 5 consecutive bases within chr9:21,971,056-21,971,065 gives the same sequence; the c. name uses the placement nearest the transcript's 3' end. VCF-style (leftmost placement, unchanged base first): chr9-21971055-C-CCCCGG. GRCh37 (hg19) VCF-style: chr9-21971054-C-CCCCGG.
Other names: c.294_298CCGGG[3], p.Ala102Profs (NM_000077.6); c.299_303dup, p.Ala102fs (NM_001195132.2); c.146_150dup, p.Ala51fs (NM_001363763.2); c.342_346dup, p.Gly116fs (NM_058195.4); c.*217CCGGG[3] (NM_058197.5); c.299_303dupCCGGG (NM_000077.4); short protein forms A51fs, A102fs, G116fs.
Identifiers: ClinVar variation 2625892 (VCV002625892.2), dbSNP rs2489274805, ClinGen allele CA2582341984.

ClinVar aggregate classification (germline): Pathogenic (1 of 4 stars; one submission).

Conditions:
Hereditary cancer-predisposing syndrome. Also called: Tumor predisposition; Neoplastic Syndromes, Hereditary; Hereditary Cancer Syndrome; Hereditary neoplastic syndrome. Identifiers: Orphanet 140162, MedGen C0027672, MeSH D009386, MONDO:0015356.

Submission:

Ambry Genetics
Classification: Pathogenic for Hereditary cancer-predisposing syndrome. Last evaluated: 2023-08-17. Review status: criteria provided, single submitter. Criteria: Ambry Variant Classification Scheme 2023. Collection method: clinical testing. Allele origin: germline.
Comment: The c.299_303dupCCGGG pathogenic mutation, located in coding exon 2 of the CDKN2A gene, results from a duplication of CCGGG at nucleotide position 299, causing a translational frameshift with a predicted alternate stop codon (p.A102Pfs*46). This alteration occurs at the 3' terminus of theCDKN2A gene, is not expected to trigger nonsense-mediated mRNA decay, and only impacts the last 55 amino acids of the protein. However, premature stop codons are typically deleterious in nature, the impacted region is critical for protein function and a significant portion of the protein is affected (Ambry internal data). This variant is considered to be rare based on population cohorts in the Genome Aggregation Database (gnomAD). Based on the supporting evidence, this alteration is interpreted as a disease-causing mutation.